The following is an entry in ClinVar:

ClinVar aggregate classification (germline): Benign (0 of 4 stars; one submission).

Conditions:
FSIP2-related disorder. Also called: FSIP2-related condition.

Allele frequency attached by ClinVar (database versions not stated): TOPMed 0.85556; gnomAD 0.85850; ESP Exome Variant Server 0.86288; 1000 Genomes Project 30x 0.86540; 1000 Genomes Project 0.86581; ExAC 0.87523; gnomAD exomes 0.87678.
gnomAD v4.1: 1,408,495 of 1,609,222 alleles (88%); highest among the groups gnomAD compares: South Asian, 91%; 617,036 homozygotes.

Submission:

PreventionGenetics, part of Exact Sciences
Classification: Benign for FSIP2-related condition. Last evaluated: 2019-10-17. Review status: no assertion criteria provided. Collection method: clinical testing. Allele origin: germline.
Comment: This variant is classified as benign based on ACMG/AMP sequence variant interpretation guidelines (Richards et al. 2015 PMID: 25741868, with internal and published modifications).

NM_173651.4(FSIP2):c.16946T>C (p.Ile5649Thr)

Gene: FSIP2 (fibrous sheath interacting protein 2; plus strand). Cytogenetic location: 2q32.1.
Variant type: single nucleotide variant.
Coding change: c.16946T>C on transcript NM_173651.4 (MANE Select); coding-DNA position 16946, T replaced by C.
Protein change: p.Ile5649Thr; replaces isoleucine 5649 with threonine.
Molecular consequence: missense variant.
Genome position (GRCh38, 1-based): chr2:185,806,252, T>C. VCF-style: chr2-185806252-T-C. GRCh37 (hg19) VCF-style: chr2-186670979-T-C.
Other names: short protein forms I5649T.
Identifiers: ClinVar variation 3059167 (VCV003059167.2), dbSNP rs4666689, ClinGen allele CA2017324.